The following is an entry in ClinVar:

ClinVar aggregate classification (germline): Likely pathogenic (1 of 4 stars; one submission).

Conditions:
Nemaline myopathy 2 (NEM2). Also called: Nemaline myopathy 2, autosomal recessive. Identifiers: MedGen C1850569, MONDO:0009725, OMIM 256030.

Submission:

Myriad Genetics, Inc.
Classification: Likely pathogenic for Nemaline myopathy 2. Last evaluated: 2021-12-12. Review status: criteria provided, single submitter. Criteria: Myriad Women's Health Autosomal Recessive and X-Linked Classification Criteria (2021). Collection method: clinical testing. Allele origin: unknown.
Comment: NM_001271208.1(NEB):c.2299C>T(Q767*) is expected to be pathogenic in the context of NEB-related nemaline myopathy. This variant is predicted to lead to an abnormal or absent protein product due to the creation of a premature termination codon in NEB, a gene where loss-of-function variants are known to be pathogenic. Please note: this variant was assessed in the context of healthy population screening.

NM_001164508.2(NEB):c.2299C>T (p.Gln767Ter)

Gene: NEB (nebulin; minus strand). Cytogenetic location: 2q23.3.
Variant type: single nucleotide variant.
Coding change: c.2299C>T on transcript NM_001164508.2 (MANE Select); coding-DNA position 2299, C replaced by T.
Protein change: p.Gln767Ter; replaces glutamine 767 with a stop codon.
Molecular consequence: nonsense.
Genome position (GRCh38, 1-based): chr2:151,690,738, G>A on the plus strand (C>T on the coding strand, the complement: NEB is on the minus strand). VCF-style: chr2-151690738-G-A. GRCh37 (hg19) VCF-style: chr2-152547252-G-A.
Other names: c.2299C>T, p.Gln767Ter (NM_001271208.2, NM_001164507.2, NM_004543.5); short protein forms Q767*.
Identifiers: ClinVar variation 1726290 (VCV001726290.2), dbSNP rs2552267403, ClinGen allele CA348823323.